The following is an entry in ClinVar:

ClinVar aggregate classification (germline): Uncertain significance (1 of 4 stars; one submission).

Submission:

Labcorp Genetics (formerly Invitae), Labcorp
Classification: Uncertain significance. Last evaluated: 2024-04-29. Review status: criteria provided, single submitter. Criteria: Invitae Variant Classification Sherloc (09022015). Collection method: clinical testing. Allele origin: germline.
Comment: This sequence change replaces glycine, which is neutral and non-polar, with glutamic acid, which is acidic and polar, at codon 149 of the COL9A2 protein (p.Gly149Glu). This variant is not present in population databases (gnomAD no frequency). This variant has not been reported in the literature in individuals affected with COL9A2-related conditions. Advanced modeling of protein sequence and biophysical properties (such as structural, functional, and spatial information, amino acid conservation, physicochemical variation, residue mobility, and thermodynamic stability) performed at Invitae indicates that this missense variant is expected to disrupt COL9A2 protein function with a positive predictive value of 95%. In summary, the available evidence is currently insufficient to determine the role of this variant in disease. Therefore, it has been classified as a Variant of Uncertain Significance.

NM_001852.4(COL9A2):c.446G>A (p.Gly149Glu)

Gene: COL9A2 (collagen type IX alpha 2 chain; minus strand). Cytogenetic location: 1p34.2.
Variant type: single nucleotide variant.
Coding change: c.446G>A on transcript NM_001852.4 (MANE Select); coding-DNA position 446, G replaced by A.
Protein change: p.Gly149Glu; replaces glycine 149 with glutamic acid.
Molecular consequence: missense variant.
Genome position (GRCh38, 1-based): chr1:40,311,687, C>T on the plus strand (G>A on the coding strand, the complement: COL9A2 is on the minus strand). VCF-style: chr1-40311687-C-T. GRCh37 (hg19) VCF-style: chr1-40777359-C-T.
Other names: short protein forms G149E.
Identifiers: ClinVar variation 3633542 (VCV003633542.2).